The following is an entry in ClinVar:

ClinVar aggregate classification (germline): Uncertain significance. Review status: criteria provided, multiple submitters, no conflicts (2 of 4 stars). 3 submissions from 3 submitters: Uncertain significance (3). Last evaluated 2024-10-03.

Allele frequency attached by ClinVar (database versions not stated): TOPMed 0.00002.
gnomAD v4.1: 26 of 1,614,032 alleles (0.0016%); highest among the groups gnomAD compares: Non-Finnish European, 0.002%; no homozygotes.

Submissions (3):

Blueprint Genetics
Classification: Uncertain significance. Last evaluated: 2024-10-03. Review status: criteria provided, single submitter. Criteria: ACMG Guidelines, 2015. Collection method: clinical testing. Allele origin: germline.

Labcorp Genetics (formerly Invitae), Labcorp
Classification: Uncertain significance. Last evaluated: 2022-08-13. Review status: criteria provided, single submitter. Criteria: Invitae Variant Classification Sherloc (09022015). Collection method: clinical testing. Allele origin: germline.
Comment: This sequence change replaces valine, which is neutral and non-polar, with methionine, which is neutral and non-polar, at codon 380 of the OCA2 protein (p.Val380Met). This variant is present in population databases (rs41529845, gnomAD 0.004%). This variant has not been reported in the literature in individuals affected with OCA2-related conditions. ClinVar contains an entry for this variant (Variation ID: 1013061). Algorithms developed to predict the effect of missense changes on protein structure and function are either unavailable or do not agree on the potential impact of this missense change (SIFT: "Deleterious"; PolyPhen-2: "Possibly Damaging"; Align-GVGD: "Class C0"). In summary, the available evidence is currently insufficient to determine the role of this variant in disease. Therefore, it has been classified as a Variant of Uncertain Significance.

CeGaT Center for Human Genetics Tuebingen
Classification: Uncertain significance. Last evaluated: 2020-08-01. Review status: criteria provided, single submitter. Criteria: CeGaT Center For Human Genetics Tuebingen Variant Classification Criteria Version 2. Collection method: clinical testing. Allele origin: germline. Affected: yes. Observed: 1 variant allele.

NM_000275.3(OCA2):c.1138G>A (p.Val380Met)

Gene: OCA2 (OCA2 melanosomal transmembrane protein; minus strand). Cytogenetic location: 15q13.1.
Variant type: single nucleotide variant.
Coding change: c.1138G>A on transcript NM_000275.3 (MANE Select); coding-DNA position 1138, G replaced by A.
Protein change: p.Val380Met; replaces valine 380 with methionine.
Molecular consequence: missense variant.
Genome position (GRCh38, 1-based): chr15:27,989,645, C>T on the plus strand (G>A on the coding strand, the complement: OCA2 is on the minus strand). VCF-style: chr15-27989645-C-T. GRCh37 (hg19) VCF-style: chr15-28234791-C-T.
Other names: c.1066G>A, p.Val356Met (NM_001300984.2); short protein forms V356M, V380M.
Identifiers: ClinVar variation 1013061 (VCV001013061.40), dbSNP rs41529845, ClinGen allele CA7439188.